The following is an entry in ClinVar:

NM_021008.4(DEAF1):c.1503+5C>T

Genes: DEAF1 (DEAF1 transcription factor; minus strand), LOC126861109 (BRD4-independent group 4 enhancer GRCh37_chr11:673917-675116; plus strand). Cytogenetic location: 11p15.5.
Variant type: single nucleotide variant.
Coding change: c.1503+5C>T on transcript NM_021008.4 (MANE Select); 5 bases into the intron after coding-DNA position 1503, C replaced by T.
Molecular consequence: intron variant.
Genome position (GRCh38, 1-based): chr11:674,531, G>A on the plus strand (C>T on the coding strand, the complement: DEAF1 is on the minus strand). VCF-style: chr11-674531-G-A. GRCh37 (hg19) VCF-style: chr11-674531-G-A.
Other names: c.1236+5C>T (NM_001293634.2); c.1374+5C>T (NM_001440884.1); c.777+5C>T (NM_001440886.1, NM_001440887.1, NM_001367390.1 and 1 more transcripts); c.1503+5C>T (NM_001440883.1).
Identifiers: ClinVar variation 2898919 (VCV002898919.3), dbSNP rs370559702, ClinGen allele CA5786203.

ClinVar aggregate classification (germline): Uncertain significance (1 of 4 stars; one submission).

Allele frequency attached by ClinVar (database versions not stated): gnomAD 0.00001; TOPMed 0.00001; gnomAD exomes 0.00002; ExAC 0.00003; ESP Exome Variant Server 0.00008.
gnomAD v4.1: 30 of 1,613,860 alleles (0.0019%); highest among the groups gnomAD compares: Non-Finnish European, 0.0022%; no homozygotes.

Submission:

Labcorp Genetics (formerly Invitae), Labcorp
Classification: Uncertain significance. Last evaluated: 2024-10-24. Review status: criteria provided, single submitter. Criteria: Invitae Variant Classification Sherloc (09022015). Collection method: clinical testing. Allele origin: germline.
Comment: This sequence change falls in intron 10 of the DEAF1 gene. It does not directly change the encoded amino acid sequence of the DEAF1 protein. It affects a nucleotide within the consensus splice site. This variant is present in population databases (rs370559702, gnomAD 0.004%). This variant has not been reported in the literature in individuals affected with DEAF1-related conditions. Variants that disrupt the consensus splice site are a relatively common cause of aberrant splicing (PMID: 17576681, 9536098). Algorithms developed to predict the effect of sequence changes on RNA splicing suggest that this variant is not likely to affect RNA splicing. In summary, the available evidence is currently insufficient to determine the role of this variant in disease. Therefore, it has been classified as a Variant of Uncertain Significance.

Literature cited by the submitters: PubMed 17576681; PubMed 9536098.